The following is an entry in ClinVar:

NM_001365999.1(SZT2):c.949G>A (p.Ala317Thr)

Gene: SZT2 (SZT2 subunit of KICSTOR complex; plus strand). Cytogenetic location: 1p34.2.
Variant type: single nucleotide variant.
Coding change: c.949G>A on transcript NM_001365999.1 (MANE Select); coding-DNA position 949, G replaced by A.
Protein change: p.Ala317Thr; replaces alanine 317 with threonine.
Molecular consequence: missense variant.
Genome position (GRCh38, 1-based): chr1:43,419,803, G>A. VCF-style: chr1-43419803-G-A. GRCh37 (hg19) VCF-style: chr1-43885474-G-A.
Other names: c.949G>A, p.Ala317Thr (NM_015284.4); short protein forms A317T.
Identifiers: ClinVar variation 1706998 (VCV001706998.3), dbSNP rs1373820508, ClinGen allele CA340005975.

ClinVar aggregate classification (germline): Uncertain significance. Review status: criteria provided, multiple submitters, no conflicts (2 of 4 stars). 2 submissions from 2 submitters: Uncertain significance (2). Last evaluated 2025-09-11.

Conditions:
Inborn genetic diseases. Identifiers: MedGen C0950123, MeSH D030342.

gnomAD v4.1: 10 of 1,598,406 alleles (0.00063%); highest among the groups gnomAD compares: South Asian, 0.0022%; no homozygotes.

Submissions (2):

Ambry Genetics
Classification: Uncertain significance for Inborn genetic diseases. Last evaluated: 2025-09-11. Review status: criteria provided, single submitter. Criteria: Ambry Variant Classification Scheme 2023. Collection method: clinical testing. Allele origin: germline.

GeneDx
Classification: Uncertain significance. Last evaluated: 2022-03-23. Review status: criteria provided, single submitter. Criteria: GeneDx Variant Classification Process June 2021. Collection method: clinical testing. Allele origin: germline. Affected: yes.
Comment: Not observed at significant frequency in large population cohorts (gnomAD); In silico analysis supports that this missense variant does not alter protein structure/function; Has not been previously published as pathogenic or benign to our knowledge